The following is an entry in ClinVar:

NM_004006.3(DMD):c.*57_*60dup

Gene: DMD (dystrophin; minus strand). Cytogenetic location: Xp21.2.
Variant type: Duplication.
Coding change: c.*57_*60dup on transcript NM_004006.3 (MANE Select); 57 bases downstream of the stop codon through 60 bases downstream of the stop codon, 4 bases duplicated (GTCA; older notation c.*57_*60dupGTCA).
Molecular consequence: 3 prime UTR variant. On other transcripts: frameshift variant (5).
Genome position (GRCh38, 1-based): chrX:31,121,859-31,121,862, TGAC duplicated on the plus strand (GTCA on the coding strand, the reverse complement: DMD is on the minus strand); duplicating any 4 consecutive bases within chrX:31,121,859-31,121,865 gives the same sequence; the c. name uses the placement nearest the transcript's 3' end. VCF-style (leftmost placement, unchanged base first): chrX-31121858-A-ATGAC. GRCh37 (hg19) VCF-style: chrX-31139975-A-ATGAC.
Other names: c.*57_*60dup (NM_000109.4, NM_004009.3, NM_004010.3 and 7 more transcripts); c.1879_1882dup, p.Met628fs (NM_004016.3); c.1840_1843dup, p.Met615fs (NM_004018.3); c.3703_3706dup, p.Met1236fs (NM_004021.3); c.3664_3667dup, p.Met1223fs (NM_004022.3); c.3373_3376dup, p.Met1126fs (NM_004023.3); short protein forms M1126fs, M1223fs, M1236fs, M615fs, M628fs.
Identifiers: ClinVar variation 1190376 (VCV001190376.5), dbSNP rs1327332363, ClinGen allele CA874608815.

ClinVar aggregate classification (germline): Uncertain significance. Review status: criteria provided, multiple submitters, no conflicts (2 of 4 stars). 3 submissions from 3 submitters: Uncertain significance (2). 1 of the submissions does not count toward it. Last evaluated 2024-11-26.

Conditions:
Duchenne muscular dystrophy (DMD). Also called: MUSCULAR DYSTROPHY, PSEUDOHYPERTROPHIC PROGRESSIVE, DUCHENNE TYPE; Duchenne Muscular Dystrophy (DMD). Identifiers: Orphanet 98896, MedGen C0013264, MONDO:0010679, OMIM 310200.
Dystrophin deficiency.
Cardiomyopathy (CMYO). Also called: Cardiomyopathies. Identifiers: Orphanet 167848, MedGen C0878544, MONDO:0004994, HP:0001638. Inheritance: Various modes of inheritance.
Becker muscular dystrophy (BMD). Also called: MUSCULAR DYSTROPHY, PSEUDOHYPERTROPHIC PROGRESSIVE, BECKER TYPE; Becker Muscular Dystrophy (BMD). Identifiers: Orphanet 98895, MedGen C0917713, MONDO:0010311, OMIM 300376.

Submissions (3):

GeneDx
Classification: Uncertain significance. Last evaluated: 2024-11-26. Review status: criteria provided, single submitter. Criteria: GeneDx Variant Classification Process June 2021. Collection method: clinical testing. Allele origin: germline. Affected: yes.
Comment: Not observed at significant frequency in large population cohorts (gnomAD); Has not been previously published as pathogenic or benign to our knowledge

Blueprint Genetics
Classification: Uncertain significance. Last evaluated: 2024-10-08. Review status: criteria provided, single submitter. Criteria: ACMG Guidelines, 2015. Collection method: clinical testing. Allele origin: germline.

Natera, Inc.
Classification: Uncertain significance for Becker muscular dystrophy; Cardiomyopathy; Duchenne muscular dystrophy; Dystrophin deficiency. Last evaluated: 2019-08-06. Review status: no assertion criteria provided. Collection method: clinical testing. Allele origin: germline. Not counted in ClinVar's aggregate classification.